The following is an entry in ClinVar:

NM_001379110.1(SLC9A6):c.146A>G (p.Glu49Gly)

Genes: SLC9A6 (solute carrier family 9 member A6; plus strand), LOC130068747 (ATAC-STARR-seq lymphoblastoid active region 29988; plus strand). Cytogenetic location: Xq26.3.
Variant type: single nucleotide variant.
Coding change: c.146A>G on transcript NM_001379110.1 (MANE Select); coding-DNA position 146, A replaced by G.
Protein change: p.Glu49Gly; replaces glutamic acid 49 with glycine.
Molecular consequence: missense variant.
Genome position (GRCh38, 1-based): chrX:135,985,804, A>G. VCF-style: chrX-135985804-A-G. GRCh37 (hg19) VCF-style: chrX-135067963-A-G.
Other names: c.302A>G, p.Glu101Gly (NM_001042537.2, NM_006359.3); c.146A>G, p.Glu49Gly (NM_001177651.2, NM_001330652.2, NM_001400909.1 and 4 more transcripts); short protein forms E101G, E49G.
Identifiers: ClinVar variation 3338739 (VCV003338739.1).

ClinVar aggregate classification (germline): Uncertain significance (1 of 4 stars; one submission).

Submission:

GeneDx
Classification: Uncertain significance. Last evaluated: 2023-09-27. Review status: criteria provided, single submitter. Criteria: GeneDx Variant Classification Process June 2021. Collection method: clinical testing. Allele origin: germline. Affected: yes.
Comment: Not observed at significant frequency in large population cohorts (gnomAD); In silico analysis supports that this missense variant has a deleterious effect on protein structure/function; Has not been previously published as pathogenic or benign to our knowledge